The following is an entry in ClinVar:

ClinVar aggregate classification (germline): Likely benign. Review status: criteria provided, multiple submitters, no conflicts (2 of 4 stars). 2 submissions from 2 submitters: Likely benign (2). Last evaluated 2025-10-01.

Allele frequency attached by ClinVar (database versions not stated): 1000 Genomes Project 0.00060; 1000 Genomes Project 30x 0.00078; gnomAD 0.00217 and 0.00224; gnomAD exomes 0.00220; TOPMed 0.00226; ExAC 0.00254; ESP Exome Variant Server 0.00331.
gnomAD v4.1: 5,743 of 1,613,958 alleles (0.36%); highest among the groups gnomAD compares: Non-Finnish European, 0.47%; 17 homozygotes.

Submissions (2):

CeGaT Center for Human Genetics Tuebingen
Classification: Likely benign. Last evaluated: 2025-10-01. Review status: criteria provided, single submitter. Criteria: CeGaT Center For Human Genetics Tuebingen Variant Classification Criteria Version 2. Collection method: clinical testing. Allele origin: germline. Affected: yes. Observed: 3 variant alleles.
Comment: CD109: BP4, BS2

Labcorp Genetics (formerly Invitae), Labcorp
Classification: Likely benign. Last evaluated: 2018-06-05. Review status: criteria provided, single submitter. Criteria: Invitae Variant Classification Sherloc (09022015). Collection method: clinical testing. Allele origin: germline.

NM_133493.5(CD109):c.1246C>G (p.Gln416Glu)

Gene: CD109 (CD109 molecule; plus strand). Cytogenetic location: 6q13.
Variant type: single nucleotide variant.
Coding change: c.1246C>G on transcript NM_133493.5 (MANE Select); coding-DNA position 1246, C replaced by G.
Protein change: p.Gln416Glu; replaces glutamine 416 with glutamic acid.
Molecular consequence: missense variant.
Genome position (GRCh38, 1-based): chr6:73,766,068, C>G. VCF-style: chr6-73766068-C-G. GRCh37 (hg19) VCF-style: chr6-74475791-C-G.
Other names: c.1246C>G, p.Gln416Glu (NM_001159587.3); c.1015C>G, p.Gln339Glu (NM_001159588.3); short protein forms Q339E, Q416E.
Identifiers: ClinVar variation 773471 (VCV000773471.27), dbSNP rs113690012, ClinGen allele CA3891038.